The following is an entry in ClinVar:

ClinVar aggregate classification (germline): Uncertain significance (1 of 4 stars; one submission).

gnomAD v4.1: 2 of 1,614,198 alleles (0.00012%); highest among the groups gnomAD compares: Non-Finnish European, 0.000085%; no homozygotes.

Submission:

Ambry Genetics
Classification: Uncertain significance. Last evaluated: 2023-02-16. Review status: criteria provided, single submitter. Criteria: Ambry Variant Classification Scheme 2023. Collection method: clinical testing. Allele origin: germline.
Comment: The p.T37M variant (also known as c.110C>T), located in coding exon 1 of the BUB3 gene, results from a C to T substitution at nucleotide position 110. The threonine at codon 37 is replaced by methionine, an amino acid with similar properties. This amino acid position is conserved. In addition, this alteration is predicted to be tolerated by in silico analysis. Since supporting evidence is limited at this time, the clinical significance of this alteration remains unclear.

NM_004725.4(BUB3):c.110C>T (p.Thr37Met)

Genes: BUB3 (BUB3 mitotic checkpoint protein; plus strand), LOC130004885 (ATAC-STARR-seq lymphoblastoid active region 4151; plus strand). Cytogenetic location: 10q26.13.
Variant type: single nucleotide variant.
Coding change: c.110C>T on transcript NM_004725.4 (MANE Select); coding-DNA position 110, C replaced by T.
Protein change: p.Thr37Met; replaces threonine 37 with methionine.
Molecular consequence: missense variant.
Genome position (GRCh38, 1-based): chr10:123,155,027, C>T. VCF-style: chr10-123155027-C-T. GRCh37 (hg19) VCF-style: chr10-124914543-C-T.
Other names: c.110C>T, p.Thr37Met (NM_001007793.3); short protein forms T37M.
Identifiers: ClinVar variation 2496889 (VCV002496889.2), dbSNP rs2493755413, ClinGen allele CA378624964.